The following is an entry in ClinVar:

ClinVar aggregate classification (germline): Likely benign. Review status: criteria provided, multiple submitters, no conflicts (2 of 4 stars). 2 submissions from 2 submitters: Likely benign (2). Last evaluated 2024-07-11.

Conditions:
Early-infantile DEE. Also called: Ohtahara syndrome; Early infantile epileptic encephalopathy; Early infantile epileptic encephalopathy with suppression bursts. Identifiers: Orphanet 1934, MedGen C0393706, MONDO:0800491.

Allele frequency attached by ClinVar (database versions not stated): ExAC 0.00001; TOPMed 0.00001; gnomAD 0.00003 and 0.00004.
gnomAD v4.1: 11 of 1,613,746 alleles (0.00068%); highest among the groups gnomAD compares: African/African-American, 0.0027%; no homozygotes.

Submissions (2):

Labcorp Genetics (formerly Invitae), Labcorp
Classification: Likely benign for Early-infantile DEE. Last evaluated: 2024-07-11. Review status: criteria provided, single submitter. Criteria: Invitae Variant Classification Sherloc (09022015). Collection method: clinical testing. Allele origin: germline.

CeGaT Center for Human Genetics Tuebingen
Classification: Likely benign. Last evaluated: 2022-10-01. Review status: criteria provided, single submitter. Criteria: CeGaT Center For Human Genetics Tuebingen Variant Classification Criteria Version 2. Collection method: clinical testing. Allele origin: germline. Affected: yes. Observed: 1 variant allele.
Comment: GNAO1: BP4, BP7

NM_020988.3(GNAO1):c.279C>T (p.Ile93=)

Gene: GNAO1 (G protein subunit alpha o1; plus strand). Cytogenetic location: 16q13.
Variant type: single nucleotide variant.
Coding change: c.279C>T on transcript NM_020988.3 (MANE Select); coding-DNA position 279, C replaced by T.
Protein change: p.Ile93=; no amino-acid change (isoleucine 93 retained).
Molecular consequence: synonymous variant.
Genome position (GRCh38, 1-based): chr16:56,276,048, C>T. VCF-style: chr16-56276048-C-T. GRCh37 (hg19) VCF-style: chr16-56309960-C-T.
Other names: c.279C>T, p.Ile93= (NM_138736.3).
Identifiers: ClinVar variation 1658445 (VCV001658445.33), dbSNP rs749909537, ClinGen allele CA8063712.